The following is an entry in ClinVar:

NM_053025.4(MYLK):c.4484T>C (p.Phe1495Ser)

Gene: MYLK (myosin light chain kinase; minus strand). Cytogenetic location: 3q21.1.
Variant type: single nucleotide variant.
Coding change: c.4484T>C on transcript NM_053025.4 (MANE Select); coding-DNA position 4484, T replaced by C.
Protein change: p.Phe1495Ser; replaces phenylalanine 1495 with serine.
Molecular consequence: missense variant.
Genome position (GRCh38, 1-based): chr3:123,647,359, A>G on the plus strand (T>C on the coding strand, the complement: MYLK is on the minus strand). VCF-style: chr3-123647359-A-G. GRCh37 (hg19) VCF-style: chr3-123366206-A-G.
Other names: c.3956T>C, p.Phe1319Ser (NM_001321309.2); c.4277T>C, p.Phe1426Ser (NM_053026.4, NM_053028.4); c.4484T>C, p.Phe1495Ser (NM_053027.4); short protein forms F1495S, F1319S, F1426S.
Identifiers: ClinVar variation 2815574 (VCV002815574.3), dbSNP rs2473365544, ClinGen allele CA354227250.

ClinVar aggregate classification (germline): Uncertain significance (1 of 4 stars; one submission).

Conditions:
Aortic aneurysm, familial thoracic 7 (AAT7). Also called: AORTIC DISSECTION, FAMILIAL, WITH OR WITHOUT AORTIC ANEURYSM. Identifiers: MedGen C3151077, MONDO:0013418, OMIM 613780.

Submission:

Labcorp Genetics (formerly Invitae), Labcorp
Classification: Uncertain significance for Aortic aneurysm, familial thoracic 7. Last evaluated: 2023-02-10. Review status: criteria provided, single submitter. Criteria: Invitae Variant Classification Sherloc (09022015). Collection method: clinical testing. Allele origin: germline.
Comment: This variant is not present in population databases (gnomAD no frequency). This sequence change replaces phenylalanine, which is neutral and non-polar, with serine, which is neutral and polar, at codon 1495 of the MYLK protein (p.Phe1495Ser). This variant has not been reported in the literature in individuals affected with MYLK-related conditions. In summary, the available evidence is currently insufficient to determine the role of this variant in disease. Therefore, it has been classified as a Variant of Uncertain Significance. Advanced modeling of protein sequence and biophysical properties (such as structural, functional, and spatial information, amino acid conservation, physicochemical variation, residue mobility, and thermodynamic stability) performed at Invitae indicates that this missense variant is not expected to disrupt MYLK protein function.